The following is an entry in ClinVar:

NM_000016.6(ACADM):c.1018G>A (p.Ala340Thr)

Gene: ACADM (acyl-CoA dehydrogenase medium chain; plus strand). Cytogenetic location: 1p31.1.
Variant type: single nucleotide variant.
Coding change: c.1018G>A on transcript NM_000016.6 (MANE Select); coding-DNA position 1018, G replaced by A.
Protein change: p.Ala340Thr; replaces alanine 340 with threonine.
Molecular consequence: missense variant.
Genome position (GRCh38, 1-based): chr1:75,761,194, G>A. VCF-style: chr1-75761194-G-A. GRCh37 (hg19) VCF-style: chr1-76226879-G-A.
Other names: c.1030G>A, p.Ala344Thr (NM_001127328.3); c.910G>A, p.Ala304Thr (NM_001286042.2); c.1117G>A, p.Ala373Thr (NM_001286043.2); c.451G>A, p.Ala151Thr (NM_001286044.2); short protein forms A151T, A304T, A340T, A344T, A373T.
Identifiers: ClinVar variation 2635653 (VCV002635653.1), dbSNP rs2525698694, ClinGen allele CA340817997.

ClinVar aggregate classification (germline): Likely pathogenic (1 of 4 stars; one submission).

Conditions:
ACADM-related disorder. Also called: ACADM-related condition.

Submission:

PreventionGenetics, part of Exact Sciences
Classification: Likely pathogenic for ACADM-related condition. Last evaluated: 2023-08-30. Review status: criteria provided, single submitter. Criteria: ACMG Guidelines, 2015. Collection method: clinical testing. Allele origin: germline.
Comment: The ACADM c.1018G>A variant is predicted to result in the amino acid substitution p.Ala340Thr. To our knowledge, this variant has not been reported in the literature or in a large population database, indicating this variant is rare. A different missense change affecting the same amino acid (p.Ala340Val) has been reported as a variant of uncertain significance in an individual with a biochemical screen consistent with MCADD (Table S1, Narravula et al. 2016. PubMed ID: 27308838). Taken together, we interpret the c.1018G>A (p.Ala340Thr) variant to be likely pathogenic.